The following is an entry in ClinVar:

ClinVar aggregate classification (germline): Uncertain significance (1 of 4 stars; one submission).

Conditions:
Emery-Dreifuss muscular dystrophy 5, autosomal dominant (EDMD5). Also called: EMERY-DREIFUSS MUSCULAR DYSTROPHY 5. Identifiers: Orphanet 261, MedGen C2751805, MONDO:0013072, OMIM 612999.

gnomAD v4.1: 1 of 1,613,932 alleles (0.000062%); highest among the groups gnomAD compares: Non-Finnish European, 0.000085%; no homozygotes.

Submission:

Labcorp Genetics (formerly Invitae), Labcorp
Classification: Uncertain significance for Emery-Dreifuss muscular dystrophy 5, autosomal dominant. Last evaluated: 2024-07-31. Review status: criteria provided, single submitter. Criteria: Invitae Variant Classification Sherloc (09022015). Collection method: clinical testing. Allele origin: germline.
Comment: This sequence change replaces threonine, which is neutral and polar, with serine, which is neutral and polar, at codon 4263 of the SYNE2 protein (p.Thr4263Ser). This variant is not present in population databases (gnomAD no frequency). This variant has not been reported in the literature in individuals affected with SYNE2-related conditions. An algorithm developed to predict the effect of missense changes on protein structure and function (PolyPhen-2) suggests that this variant is likely to be disruptive. In summary, the available evidence is currently insufficient to determine the role of this variant in disease. Therefore, it has been classified as a Variant of Uncertain Significance.

NM_182914.3(SYNE2):c.12787A>T (p.Thr4263Ser)

Gene: SYNE2 (spectrin repeat containing nuclear envelope protein 2; plus strand). Cytogenetic location: 14q23.2.
Variant type: single nucleotide variant.
Coding change: c.12787A>T on transcript NM_182914.3 (MANE Select); coding-DNA position 12787, A replaced by T.
Protein change: p.Thr4263Ser; replaces threonine 4263 with serine.
Molecular consequence: missense variant.
Genome position (GRCh38, 1-based): chr14:64,113,518, A>T. VCF-style: chr14-64113518-A-T. GRCh37 (hg19) VCF-style: chr14-64580236-A-T.
Other names: c.12787A>T, p.Thr4263Ser (NM_015180.6); short protein forms T4263S.
Identifiers: ClinVar variation 3659960 (VCV003659960.2).
Genomic context (GRCh38, chr14:64,113,518, plus strand): 5'-ACCCAGGTGGCCGAGCTGGAGCTGTGGCTGCAACAAGCCAACGTGGCAGTTGAGCCGGAA[A>T]CATTAAACGCAGACATGCAGCAGGTGCTGGAACAGCAGCTGGTAGGGTGCCAGGTAAGAC-3'
Protein context (NP_878918.2, residues 4253-4273): QQANVAVEPE[Thr4263Ser]LNADMQQVLE